The following is an entry in ClinVar:

ClinVar aggregate classification (germline): Pathogenic. Review status: criteria provided, multiple submitters, no conflicts (2 of 4 stars). 2 submissions from 2 submitters: Pathogenic (2). Last evaluated 2023-12-23.

Conditions:
Hereditary hemorrhagic telangiectasia (HHT). Also called: ORW DISEASE; Osler Weber Rendu syndrome; OSLER-RENDU-WEBER DISEASE; Osler hemorrhagic telangiectasia syndrome. Identifiers: Orphanet 774, MedGen C0039445, MONDO:0019180. Disease mechanism: loss of function.
Cardiovascular phenotype. Identifiers: MedGen CN230736.

Submissions (2):

Labcorp Genetics (formerly Invitae), Labcorp
Classification: Pathogenic for Hereditary hemorrhagic telangiectasia. Last evaluated: 2023-12-23. Review status: criteria provided, single submitter. Criteria: Invitae Variant Classification Sherloc (09022015). Collection method: clinical testing. Allele origin: germline.
Comment: This sequence change affects a donor splice site in intron 3 of the ENG gene. It is expected to disrupt RNA splicing. Variants that disrupt the donor or acceptor splice site typically lead to a loss of protein function (PMID: 16199547), and loss-of-function variants in ENG are known to be pathogenic (PMID: 15879500). This variant is not present in population databases (gnomAD no frequency). Disruption of this splice site has been observed in individuals with hereditary hemorrhagic telangiectasia (PMID: 9366572, 11793473, 12920067, 22991266). This variant is also known as IVS3+1, gt. ClinVar contains an entry for this variant (Variation ID: 947881). Algorithms developed to predict the effect of sequence changes on RNA splicing suggest that this variant may disrupt the consensus splice site. For these reasons, this variant has been classified as Pathogenic.

Ambry Genetics
Classification: Pathogenic for Cardiovascular phenotype. Last evaluated: 2015-10-28. Review status: criteria provided, single submitter. Criteria: Ambry Variant Classification Scheme 2023. Collection method: clinical testing. Allele origin: germline.
Comment: The c.360+1G>T intronic pathogenic mutation results from a G to T substitution one nucleotide after coding exon 3 of the ENG gene. This mutation has been described in an individual with a clinical diagnosis of hereditary hemorrhagic telangiectasia (Berg J, J. Med. Genet. 2003 Aug; 40(8):585-90). However, specific clinical information was not provided. Another pathogenic mutation (c.360+1G>A) has been described at the same nucleotide position (Kim et al 2011, BMC Med Genet 12:130). In addition to the clinical data presented in the literature, since alterations that disrupt the canonical splice donor site are typically deleterious in nature, this alteration is interpreted as a disease-causing mutation (ACMG Recommendations for Standards for Interpretation and Reporting of Sequence Variations. Revision 2007. Genet Med. 2008;10:294).

Literature cited by the submitters: PubMed 16199547 (cited by Labcorp Genetics (formerly Invitae), Labcorp); PubMed 15879500 (cited by Labcorp Genetics (formerly Invitae), Labcorp); PubMed 9366572 (cited by Labcorp Genetics (formerly Invitae), Labcorp); PubMed 11793473 (cited by Labcorp Genetics (formerly Invitae), Labcorp); PubMed 12920067 (cited by Labcorp Genetics (formerly Invitae), Labcorp and Ambry Genetics); PubMed 22991266 (cited by Labcorp Genetics (formerly Invitae), Labcorp); PubMed 21967607 (cited by Ambry Genetics).

NM_001114753.3(ENG):c.360+1G>T

Gene: ENG (endoglin; minus strand). Cytogenetic location: 9q34.11.
Variant type: single nucleotide variant.
Coding change: c.360+1G>T on transcript NM_001114753.3 (MANE Select); the canonical splice donor site of the intron after coding-DNA position 360, G replaced by T.
Molecular consequence: splice donor variant.
Genome position (GRCh38, 1-based): chr9:127,829,686, C>A on the plus strand (G>T on the coding strand, the complement: ENG is on the minus strand). VCF-style: chr9-127829686-C-A. GRCh37 (hg19) VCF-style: chr9-130591965-C-A.
Other names: c.360+1G>T (NM_001114753.1, NM_000118.4, NM_001406715.1); c.-187+1G>T (NM_001278138.2).
Identifiers: ClinVar variation 947881 (VCV000947881.13), dbSNP rs886039505, ClinGen allele CA374985618.